The following is an entry in ClinVar:

NM_001079843.3(CASZ1):c.5243C>A (p.Ala1748Asp)

Gene: CASZ1 (castor zinc finger 1; minus strand). Cytogenetic location: 1p36.22.
Variant type: single nucleotide variant.
Coding change: c.5243C>A on transcript NM_001079843.3 (MANE Select); coding-DNA position 5243, C replaced by A.
Protein change: p.Ala1748Asp; replaces alanine 1748 with aspartic acid.
Molecular consequence: missense variant.
Genome position (GRCh38, 1-based): chr1:10,638,979, G>T on the plus strand (C>A on the coding strand, the complement: CASZ1 is on the minus strand). VCF-style: chr1-10638979-G-T. GRCh37 (hg19) VCF-style: chr1-10699036-G-T.
Other names: short protein forms A1748D.
Identifiers: ClinVar variation 2885874 (VCV002885874.3), dbSNP rs2521983977, ClinGen allele CA338342676.

ClinVar aggregate classification (germline): Uncertain significance (1 of 4 stars; one submission).

Allele frequency attached by ClinVar (database versions not stated): gnomAD exomes below 0.00001.

Submission:

Labcorp Genetics (formerly Invitae), Labcorp
Classification: Uncertain significance. Last evaluated: 2023-07-31. Review status: criteria provided, single submitter. Criteria: Invitae Variant Classification Sherloc (09022015). Collection method: clinical testing. Allele origin: germline.
Comment: The frequency data for this variant in the population databases is considered unreliable, as metrics indicate insufficient coverage at this position in the gnomAD database. This variant has not been reported in the literature in individuals affected with CASZ1-related conditions. Experimental studies and prediction algorithms are not available or were not evaluated, and the functional significance of this variant is currently unknown. In summary, the available evidence is currently insufficient to determine the role of this variant in disease. Therefore, it has been classified as a Variant of Uncertain Significance. This sequence change replaces alanine, which is neutral and non-polar, with aspartic acid, which is acidic and polar, at codon 1748 of the CASZ1 protein (p.Ala1748Asp).